The following is an entry in ClinVar:

ClinVar aggregate classification (germline): Likely benign (1 of 4 stars; one submission).

Submission:

GeneDx
Classification: Likely benign. Last evaluated: 2017-01-17. Review status: criteria provided, single submitter. Criteria: GeneDx Variant Classification (06012015). Collection method: clinical testing. Allele origin: germline. Affected: yes.
Comment: This variant is considered likely benign or benign based on one or more of the following criteria: it is a conservative change, it occurs at a poorly conserved position in the protein, it is predicted to be benign by multiple in silico algorithms, and/or has population frequency not consistent with disease.

NM_001077418.3(TMEM231):c.309+19G>T

Gene: TMEM231 (transmembrane protein 231; minus strand). Cytogenetic location: 16q23.1.
Variant type: single nucleotide variant.
Coding change: c.309+19G>T on transcript NM_001077418.3 (MANE Select); 19 bases into the intron after coding-DNA position 309, G replaced by T.
Molecular consequence: intron variant.
Genome position (GRCh38, 1-based): chr16:75,555,785, C>A on the plus strand (G>T on the coding strand, the complement: TMEM231 is on the minus strand). VCF-style: chr16-75555785-C-A. GRCh37 (hg19) VCF-style: chr16-75589683-C-A.
Other names: c.468+19G>T (NM_001077416.2).
Identifiers: ClinVar variation 392968 (VCV000392968.1), dbSNP rs1057524721, ClinGen allele CA16607412.